The following is an entry in ClinVar:

NM_182746.3(MCM4):c.527C>G (p.Pro176Arg)

Gene: MCM4 (minichromosome maintenance complex component 4; plus strand). Cytogenetic location: 8q11.21.
Variant type: single nucleotide variant.
Coding change: c.527C>G on transcript NM_182746.3 (MANE Select); coding-DNA position 527, C replaced by G.
Protein change: p.Pro176Arg; replaces proline 176 with arginine.
Molecular consequence: missense variant.
Genome position (GRCh38, 1-based): chr8:47,962,789, C>G. VCF-style: chr8-47962789-C-G. GRCh37 (hg19) VCF-style: chr8-48875349-C-G.
Other names: c.527C>G, p.Pro176Arg (NM_005914.4); short protein forms P176R.
Identifiers: ClinVar variation 2701893 (VCV002701893.3), dbSNP rs761162193, ClinGen allele CA371146195.

ClinVar aggregate classification (germline): Uncertain significance (1 of 4 stars; one submission).

Submission:

Labcorp Genetics (formerly Invitae), Labcorp
Classification: Uncertain significance. Last evaluated: 2024-06-08. Review status: criteria provided, single submitter. Criteria: Invitae Variant Classification Sherloc (09022015). Collection method: clinical testing. Allele origin: germline.
Comment: This sequence change replaces proline, which is neutral and non-polar, with arginine, which is basic and polar, at codon 176 of the MCM4 protein (p.Pro176Arg). This variant is not present in population databases (gnomAD no frequency). This variant has not been reported in the literature in individuals affected with MCM4-related conditions. Advanced modeling of protein sequence and biophysical properties (such as structural, functional, and spatial information, amino acid conservation, physicochemical variation, residue mobility, and thermodynamic stability) performed at Invitae indicates that this missense variant is not expected to disrupt MCM4 protein function with a negative predictive value of 80%. In summary, the available evidence is currently insufficient to determine the role of this variant in disease. Therefore, it has been classified as a Variant of Uncertain Significance.